The following is an entry in ClinVar:

NM_001369268.1(ACAN):c.5627G>A (p.Gly1876Glu)

Gene: ACAN (aggrecan; plus strand). Cytogenetic location: 15q26.1.
Variant type: single nucleotide variant.
Coding change: c.5627G>A on transcript NM_001369268.1 (MANE Select); coding-DNA position 5627, G replaced by A.
Protein change: p.Gly1876Glu; replaces glycine 1876 with glutamic acid.
Molecular consequence: missense variant.
Genome position (GRCh38, 1-based): chr15:88,858,212, G>A. VCF-style: chr15-88858212-G-A. GRCh37 (hg19) VCF-style: chr15-89401443-G-A.
Other names: c.5627G>A, p.Gly1876Glu (NM_001135.4, NM_001411096.1, NM_001411097.1 and 1 more transcripts); short protein forms G1876E.
Identifiers: ClinVar variation 3068958 (VCV003068958.2), dbSNP rs546936803, ClinGen allele CA7720250.

ClinVar aggregate classification (germline): Uncertain significance (1 of 4 stars; one submission).

Allele frequency attached by ClinVar (database versions not stated): gnomAD 0.00002; gnomAD exomes 0.00003; ExAC 0.00008; 1000 Genomes Project 30x 0.00031; 1000 Genomes Project 0.00040.
gnomAD v4.1: 48 of 1,613,966 alleles (0.003%); highest among the groups gnomAD compares: South Asian, 0.047%; no homozygotes.

Submission:

Women's Health and Genetics/Laboratory Corporation of America, LabCorp
Classification: Uncertain significance. Last evaluated: 2024-02-15. Review status: criteria provided, single submitter. Criteria: LabCorp Variant Classification Summary - May 2015. Collection method: clinical testing. Allele origin: germline.
Comment: Variant summary: ACAN c.5627G>A (p.Gly1876Glu) results in a non-conservative amino acid change in the encoded protein sequence. Three of five in-silico tools predict a benign effect of the variant on protein function. The variant allele was found at a frequency of 6.4e-05 in 249130 control chromosomes. This frequency does not allow for any conclusion about variant significance. To our knowledge, no occurrence of c.5627G>A in individuals affected with ACAN-Related Disorders and no experimental evidence demonstrating its impact on protein function have been reported. No submitters have cited clinical-significance assessments for this variant to ClinVar. Based on the evidence outlined above, the variant was classified as uncertain significance.